The following is an entry in ClinVar:

NM_022124.6(CDH23):c.6530C>T (p.Pro2177Leu)

Gene: CDH23 (cadherin related 23; plus strand). Cytogenetic location: 10q22.1.
Variant type: single nucleotide variant.
Coding change: c.6530C>T on transcript NM_022124.6 (MANE Select); coding-DNA position 6530, C replaced by T.
Protein change: p.Pro2177Leu; replaces proline 2177 with leucine.
Molecular consequence: missense variant.
Genome position (GRCh38, 1-based): chr10:71,793,458, C>T. VCF-style: chr10-71793458-C-T. GRCh37 (hg19) VCF-style: chr10-73553215-C-T.
Other names: short protein forms P2177L.
Identifiers: ClinVar variation 497395 (VCV000497395.13), dbSNP rs376453794, ClinGen allele CA5546109.

ClinVar aggregate classification (germline): Uncertain significance. Review status: criteria provided, multiple submitters, no conflicts (2 of 4 stars). 5 submissions from 5 submitters: Uncertain significance (4). 1 of the submissions does not count toward it. Last evaluated 2025-11-26.

Conditions:
Usher syndrome type 1 (USH1). Also called: RETINITIS PIGMENTOSA AND CONGENITAL DEAFNESS. Identifiers: Orphanet 231169, Orphanet 886, MedGen C1568247, MONDO:0010168, OMIM 276900.
Inborn genetic diseases. Identifiers: MedGen C0950123, MeSH D030342.

Allele frequency attached by ClinVar (database versions not stated): gnomAD 0.00009 and 0.00008; TOPMed 0.00010; ExAC 0.00001; gnomAD exomes 0.00001; ESP Exome Variant Server 0.00008.
gnomAD v4.1: 23 of 1,613,886 alleles (0.0014%); highest among the groups gnomAD compares: African/African-American, 0.028%; no homozygotes.

Submissions (5):

Ambry Genetics
Classification: Uncertain significance for Inborn genetic diseases. Last evaluated: 2025-11-26. Review status: criteria provided, single submitter. Criteria: Ambry Variant Classification Scheme 2023. Collection method: clinical testing. Allele origin: germline.

Labcorp Genetics (formerly Invitae), Labcorp
Classification: Uncertain significance. Last evaluated: 2024-10-21. Review status: criteria provided, single submitter. Criteria: Invitae Variant Classification Sherloc (09022015). Collection method: clinical testing. Allele origin: germline.
Comment: This sequence change replaces proline, which is neutral and non-polar, with leucine, which is neutral and non-polar, at codon 2177 of the CDH23 protein (p.Pro2177Leu). This variant is present in population databases (rs376453794, gnomAD 0.02%). This variant has not been reported in the literature in individuals affected with CDH23-related conditions. ClinVar contains an entry for this variant (Variation ID: 497395). Invitae Evidence Modeling of protein sequence and biophysical properties (such as structural, functional, and spatial information, amino acid conservation, physicochemical variation, residue mobility, and thermodynamic stability) has been performed for this missense variant. However, the output from this modeling did not meet the statistical confidence thresholds required to predict the impact of this variant on CDH23 protein function. In summary, the available evidence is currently insufficient to determine the role of this variant in disease. Therefore, it has been classified as a Variant of Uncertain Significance.

GeneDx
Classification: Uncertain significance. Last evaluated: 2024-05-31. Review status: criteria provided, single submitter. Criteria: GeneDx Variant Classification Process June 2021. Collection method: clinical testing. Allele origin: germline. Affected: yes.
Comment: In silico analysis supports that this missense variant has a deleterious effect on protein structure/function; Has not been previously published as pathogenic or benign to our knowledge

Eurofins Ntd Llc (ga)
Classification: Uncertain significance. Last evaluated: 2016-10-12. Review status: criteria provided, single submitter. Criteria: EGL Classification Definitions 2015. Collection method: clinical testing. Allele origin: germline. Observed: 1 variant allele, 1 heterozygote.

Natera, Inc.
Classification: Uncertain significance for Usher syndrome type 1. Last evaluated: 2019-10-28. Review status: no assertion criteria provided. Collection method: clinical testing. Allele origin: germline. Not counted in ClinVar's aggregate classification.